The following is an entry in ClinVar:

NM_001385028.1(MEGF11):c.18G>A (p.Thr6=)

Gene: MEGF11 (multiple EGF like domains 11; minus strand). Cytogenetic location: 15q22.31.
Variant type: single nucleotide variant.
Coding change: c.18G>A on transcript NM_001385028.1 (MANE Select); coding-DNA position 18, G replaced by A.
Protein change: p.Thr6=; no amino-acid change (threonine 6 retained).
Molecular consequence: synonymous variant. On other transcripts: non-coding transcript variant (3), intron variant (3).
Genome position (GRCh38, 1-based): chr15:66,128,386, C>T on the plus strand (G>A on the coding strand, the complement: MEGF11 is on the minus strand). VCF-style: chr15-66128386-C-T. GRCh37 (hg19) VCF-style: chr15-66420724-C-T.
Other names: c.18G>A, p.Thr6= (NM_001385029.1, NM_001385033.1, NM_001387150.1 and 2 more transcripts); c.-26-4386G>A (NM_001385030.1); c.-142-4386G>A (NM_001385031.1, NM_001385032.1).
Identifiers: ClinVar variation 2645465 (VCV002645465.24), dbSNP rs139006288, ClinGen allele CA7622667.

ClinVar aggregate classification (germline): Likely benign (1 of 4 stars; one submission).

Allele frequency attached by ClinVar (database versions not stated): 1000 Genomes Project 30x 0.00281; 1000 Genomes Project 0.00319; gnomAD 0.00484; ExAC 0.00492; TOPMed 0.00506; gnomAD exomes 0.00758.
gnomAD v4.1: 11,015 of 1,516,508 alleles (0.73%); highest among the groups gnomAD compares: Non-Finnish European, 0.89%; 54 homozygotes.

Submission:

CeGaT Center for Human Genetics Tuebingen
Classification: Likely benign. Last evaluated: 2022-09-01. Review status: criteria provided, single submitter. Criteria: CeGaT Center For Human Genetics Tuebingen Variant Classification Criteria Version 2. Collection method: clinical testing. Allele origin: germline. Affected: yes. Observed: 1 variant allele.
Comment: MEGF11: BP4, BP7, BS2